The following is an entry in ClinVar:

NM_001353694.2(TIAM1):c.483G>A (p.Glu161=)

Gene: TIAM1 (TIAM Rac1 associated GEF 1; minus strand). Cytogenetic location: 21q22.11.
Variant type: single nucleotide variant.
Coding change: c.483G>A on transcript NM_001353694.2 (MANE Select); coding-DNA position 483, G replaced by A.
Protein change: p.Glu161=; no amino-acid change (glutamic acid 161 retained).
Molecular consequence: synonymous variant.
Genome position (GRCh38, 1-based): chr21:31,266,490, C>T on the plus strand (G>A on the coding strand, the complement: TIAM1 is on the minus strand). VCF-style: chr21-31266490-C-T. GRCh37 (hg19) VCF-style: chr21-32638806-C-T.
Other names: c.483G>A, p.Glu161= (NM_001353688.1, NM_001353689.1, NM_001353690.1 and 6 more transcripts).
Identifiers: ClinVar variation 769123 (VCV000769123.6), dbSNP rs61734756, ClinGen allele CA9998661.
Genomic context (GRCh38, chr21:31,266,490, plus strand): 5'-CAGGCTGTCCTCCCGCCAGATGTCTGCAGATTTGGAGCGTTTCTTCTTAAAGCTCGCCGT[C>T]TCCATGAAAGTGGGCCCATTGGATGTATAGGAATGCTGCCTCCTGCCTCCCTCAGCCAAA-3'
Protein context (NP_001340623.1, residues 151-171): SYTSNGPTFM[Glu161=]TASFKKKRSK

ClinVar aggregate classification (germline): Benign. Review status: criteria provided, multiple submitters, no conflicts (2 of 4 stars). 3 submissions from 3 submitters: Benign (2). 1 of the submissions does not count toward it. Last evaluated 2017-05-08.

Conditions:
TIAM1-related disorder. Also called: TIAM1-related condition.

Allele frequency attached by ClinVar (database versions not stated): gnomAD exomes 0.00065 and 0.00158; ExAC 0.00191; 1000 Genomes Project 0.00539; 1000 Genomes Project 30x 0.00671; gnomAD 0.00680 and 0.00731; TOPMed 0.00722; ESP Exome Variant Server 0.00807.
gnomAD v4.1: 2,009 of 1,614,214 alleles (0.12%); highest among the groups gnomAD compares: African/African-American, 2.4%; 21 homozygotes.

Submissions (3):

Labcorp Genetics (formerly Invitae), Labcorp
Classification: Benign. Last evaluated: 2017-05-08. Review status: criteria provided, single submitter. Criteria: Invitae Variant Classification Sherloc (09022015). Collection method: clinical testing. Allele origin: germline.

Breakthrough Genomics
Classification: Benign. Review status: criteria provided, single submitter. Criteria: ACMG Guidelines, 2015. Collection method: not provided. Allele origin: germline. Inheritance: Autosomal recessive inheritance. Affected: yes.

PreventionGenetics, part of Exact Sciences
Classification: Benign for TIAM1-related condition. Last evaluated: 2024-07-18. Review status: no assertion criteria provided. Collection method: clinical testing. Allele origin: germline. Not counted in ClinVar's aggregate classification.
Comment: This variant is classified as benign based on ACMG/AMP sequence variant interpretation guidelines (Richards et al. 2015 PMID: 25741868, with internal and published modifications).